The following is an entry in ClinVar:

ClinVar aggregate classification (germline): Uncertain significance (1 of 4 stars; one submission).

Conditions:
Long QT syndrome (LQTS). Identifiers: MedGen C0023976, MeSH D008133, MONDO:0002442. Disease mechanism: loss of function. Inheritance: Various modes of inheritance.

Allele frequency attached by ClinVar (database versions not stated): gnomAD exomes below 0.00001.
gnomAD v4.1: 2 of 1,175,812 alleles (0.00017%); highest among the groups gnomAD compares: East Asian, 0.0042%; no homozygotes.

Submission:

All of Us Research Program, National Institutes of Health
Classification: Uncertain significance for Long QT syndrome. Last evaluated: 2024-03-05. Review status: criteria provided, single submitter. Criteria: ACMG Guidelines, 2015. Collection method: clinical testing. Allele origin: germline. Inheritance: Autosomal dominant inheritance. Observed: 2 variant alleles, 2 heterozygotes.
Comment: This study involves interpretation of variants in research participants for the purpose of population health screening. Participant phenotype was not available at the time of variant classification. Additional details can be found in publication PMID: 35346344, PMCID: PMC8962531

NM_000238.4(KCNH2):c.2384T>G (p.Val795Gly)

Gene: KCNH2 (potassium voltage-gated channel subfamily H member 2; minus strand). Cytogenetic location: 7q36.1.
Variant type: single nucleotide variant.
Coding change: c.2384T>G on transcript NM_000238.4 (MANE Select); coding-DNA position 2384, T replaced by G.
Protein change: p.Val795Gly; replaces valine 795 with glycine.
Molecular consequence: missense variant. On other transcripts: non-coding transcript variant (2).
Genome position (GRCh38, 1-based): chr7:150,950,182, A>C on the plus strand (T>G on the coding strand, the complement: KCNH2 is on the minus strand). VCF-style: chr7-150950182-A-C. GRCh37 (hg19) VCF-style: chr7-150647270-A-C.
Other names: c.1364T>G, p.Val455Gly (NM_001204798.2, NM_172057.3); c.2096T>G, p.Val699Gly (NM_001406753.1, NM_001406756.1); c.2207T>G, p.Val736Gly (NM_001406755.1); c.2084T>G, p.Val695Gly (NM_001406757.1); c.2384T>G, p.Val795Gly (NM_172056.3); short protein forms V455G, V695G, V699G, V736G, V795G.
Identifiers: ClinVar variation 3071731 (VCV003071731.2), dbSNP rs2486024409, ClinGen allele CA369856002.